The following is an entry in ClinVar:

ClinVar aggregate classification (germline): Uncertain significance. Review status: criteria provided, multiple submitters, no conflicts (2 of 4 stars). 2 submissions from 2 submitters: Uncertain significance (2). Last evaluated 2023-02-24.

Conditions:
Inborn genetic diseases. Identifiers: MedGen C0950123, MeSH D030342.
Familial hemophagocytic lymphohistiocytosis 3 (FHL3). Also called: UNC13D-Related Familial Hemophagocytic Lymphohistiocytosis (UNC13D-fHLH). Identifiers: Orphanet 540, MedGen C1837174, MONDO:0012146, OMIM 608898.

Allele frequency attached by ClinVar (database versions not stated): TOPMed below 0.00001; gnomAD 0.00001; gnomAD exomes 0.00002.
gnomAD v4.1: 21 of 1,613,548 alleles (0.0013%); highest among the groups gnomAD compares: Admixed American, 0.005%; 1 homozygote.

Submissions (2):

Ambry Genetics
Classification: Uncertain significance for Inborn genetic diseases. Last evaluated: 2023-02-24. Review status: criteria provided, single submitter. Criteria: Ambry Variant Classification Scheme 2023. Collection method: clinical testing. Allele origin: germline.

Labcorp Genetics (formerly Invitae), Labcorp
Classification: Uncertain significance for Familial hemophagocytic lymphohistiocytosis 3. Last evaluated: 2022-08-14. Review status: criteria provided, single submitter. Criteria: Invitae Variant Classification Sherloc (09022015). Collection method: clinical testing. Allele origin: germline.
Comment: This sequence change replaces serine, which is neutral and polar, with alanine, which is neutral and non-polar, at codon 212 of the UNC13D protein (p.Ser212Ala). This variant is present in population databases (no rsID available, gnomAD 0.006%). This variant has not been reported in the literature in individuals affected with UNC13D-related conditions. ClinVar contains an entry for this variant (Variation ID: 649671). Algorithms developed to predict the effect of missense changes on protein structure and function are either unavailable or do not agree on the potential impact of this missense change (SIFT: "Not Available"; PolyPhen-2: "Benign"; Align-GVGD: "Not Available"). In summary, the available evidence is currently insufficient to determine the role of this variant in disease. Therefore, it has been classified as a Variant of Uncertain Significance.

NM_199242.3(UNC13D):c.634T>G (p.Ser212Ala)

Gene: UNC13D (unc-13 homolog D; minus strand). Cytogenetic location: 17q25.1.
Variant type: single nucleotide variant.
Coding change: c.634T>G on transcript NM_199242.3 (MANE Select); coding-DNA position 634, T replaced by G.
Protein change: p.Ser212Ala; replaces serine 212 with alanine.
Molecular consequence: missense variant.
Genome position (GRCh38, 1-based): chr17:75,840,811, A>C on the plus strand (T>G on the coding strand, the complement: UNC13D is on the minus strand). VCF-style: chr17-75840811-A-C. GRCh37 (hg19) VCF-style: chr17-73836892-A-C.
Other names: short protein forms S212A.
Identifiers: ClinVar variation 649671 (VCV000649671.8), dbSNP rs1415407939, ClinGen allele CA401111509.